The following is an entry in ClinVar:

ClinVar aggregate classification (germline): Conflicting classifications of pathogenicity. Review status: criteria provided, conflicting classifications (1 of 4 stars). 2 submissions from 2 submitters: Uncertain significance (1); Likely benign (1). Last evaluated 2024-10-01.

Submissions (2):

CeGaT Center for Human Genetics Tuebingen
Classification: Uncertain significance. Last evaluated: 2024-10-01. Review status: criteria provided, single submitter. Criteria: CeGaT Center For Human Genetics Tuebingen Variant Classification Criteria Version 2. Collection method: clinical testing. Allele origin: germline. Affected: yes. Observed: 2 variant alleles.
Comment: RHOBTB2: PM2, BP4

Labcorp Genetics (formerly Invitae), Labcorp
Classification: Likely benign. Last evaluated: 2021-12-02. Review status: criteria provided, single submitter. Criteria: Invitae Variant Classification Sherloc (09022015). Collection method: clinical testing. Allele origin: germline.

NM_015178.3(RHOBTB2):c.769G>T (p.Ala257Ser)

Gene: RHOBTB2 (Rho related BTB domain containing 2; plus strand). Cytogenetic location: 8p21.3.
Variant type: single nucleotide variant.
Coding change: c.769G>T on transcript NM_015178.3 (MANE Select); coding-DNA position 769, G replaced by T.
Protein change: p.Ala257Ser; replaces alanine 257 with serine.
Molecular consequence: missense variant.
Genome position (GRCh38, 1-based): chr8:23,007,014, G>T. VCF-style: chr8-23007014-G-T. GRCh37 (hg19) VCF-style: chr8-22864527-G-T.
Other names: c.835G>T, p.Ala279Ser (NM_001160036.2); c.790G>T, p.Ala264Ser (NM_001160037.2); c.769G>T, p.Ala257Ser (NM_001374791.1); short protein forms A257S, A264S, A279S.
Identifiers: ClinVar variation 1557403 (VCV001557403.28), dbSNP rs371874217, ClinGen allele CA370565640.